The following is an entry in ClinVar:

ClinVar aggregate classification (germline): Conflicting classifications of pathogenicity. Review status: criteria provided, conflicting classifications (1 of 4 stars). 2 submissions from 2 submitters: Uncertain significance (1); Benign (1). Last evaluated 2024-11-01.

Conditions:
Multiple endocrine neoplasia, type 1 (MEN1). Also called: MEN I; WERMER SYNDROME; Endocrine adenomatosis multiple; MEN 1; MEA I. Identifiers: Orphanet 652, MedGen C0025267, MeSH D018761, MONDO:0007540, OMIM 131100.

Submissions (2):

Myriad Genetics, Inc.
Classification: Benign for Multiple endocrine neoplasia, type 1. Last evaluated: 2024-11-01. Review status: criteria provided, single submitter. Criteria: Myriad Autosomal Dominant, Autosomal Recessive and X-Linked Classification Criteria (2023). Collection method: clinical testing. Allele origin: unknown.
Comment: This variant is considered benign. This variant is a silent/synonymous amino acid change and it is not expected to impact splicing.

Labcorp Genetics (formerly Invitae), Labcorp
Classification: Uncertain significance for Multiple endocrine neoplasia, type 1. Last evaluated: 2023-03-19. Review status: criteria provided, single submitter. Criteria: Invitae Variant Classification Sherloc (09022015). Collection method: clinical testing. Allele origin: germline.
Comment: In summary, the available evidence is currently insufficient to determine the role of this variant in disease. Therefore, it has been classified as a Variant of Uncertain Significance. Algorithms developed to predict the effect of sequence changes on RNA splicing suggest that this variant may create or strengthen a splice site. This variant has not been reported in the literature in individuals affected with MEN1-related conditions. This variant is not present in population databases (gnomAD no frequency). This sequence change affects codon 225 of the MEN1 mRNA. It is a 'silent' change, meaning that it does not change the encoded amino acid sequence of the MEN1 protein.

NM_001370259.2(MEN1):c.675A>T (p.Gly225=)

Gene: MEN1 (menin 1; minus strand). Cytogenetic location: 11q13.1.
Variant type: single nucleotide variant.
Coding change: c.675A>T on transcript NM_001370259.2 (MANE Select); coding-DNA position 675, A replaced by T.
Protein change: p.Gly225=; no amino-acid change (glycine 225 retained).
Molecular consequence: synonymous variant. On other transcripts: non-coding transcript variant (4).
Genome position (GRCh38, 1-based): chr11:64,807,660, T>A on the plus strand (A>T on the coding strand, the complement: MEN1 is on the minus strand). VCF-style: chr11-64807660-T-A. GRCh37 (hg19) VCF-style: chr11-64575132-T-A.
Other names: c.690A>T, p.Gly230= (NM_000244.4, NM_001407145.1, NM_001407150.1 and 5 more transcripts); c.675A>T, p.Gly225= (NM_001370251.2, NM_001370260.2, NM_001370261.2 and 7 more transcripts); c.570A>T, p.Gly190= (NM_001370262.2, NM_001370263.2, NM_001407148.1 and 2 more transcripts).
Identifiers: ClinVar variation 2847405 (VCV002847405.3), dbSNP rs2497207176, ClinGen allele CA475162805.